The following is an entry in ClinVar:

NM_173488.5(SLCO6A1):c.1950A>G (p.Lys650=)

Gene: SLCO6A1 (solute carrier organic anion transporter family member 6A1; minus strand). Cytogenetic location: 5q21.1.
Variant type: single nucleotide variant.
Coding change: c.1950A>G on transcript NM_173488.5 (MANE Select); coding-DNA position 1950, A replaced by G.
Protein change: p.Lys650=; no amino-acid change (lysine 650 retained).
Molecular consequence: synonymous variant.
Genome position (GRCh38, 1-based): chr5:102,388,755, T>C on the plus strand (A>G on the coding strand, the complement: SLCO6A1 is on the minus strand). VCF-style: chr5-102388755-T-C. GRCh37 (hg19) VCF-style: chr5-101724459-T-C.
Other names: c.1950A>G, p.Lys650= (NM_001289002.2); c.1764A>G, p.Lys588= (NM_001289004.2); c.1191A>G, p.Lys397= (NM_001308014.2).
Identifiers: ClinVar variation 2655625 (VCV002655625.24), dbSNP rs775516782, ClinGen allele CA3357896.

ClinVar aggregate classification (germline): Likely benign (1 of 4 stars; one submission).

Allele frequency attached by ClinVar (database versions not stated): ExAC 0.00001; gnomAD 0.00001; TOPMed 0.00001; gnomAD exomes 0.00002.
gnomAD v4.1: 27 of 1,608,656 alleles (0.0017%); highest among the groups gnomAD compares: Non-Finnish European, 0.0021%; no homozygotes.

Submission:

CeGaT Center for Human Genetics Tuebingen
Classification: Likely benign. Last evaluated: 2022-06-01. Review status: criteria provided, single submitter. Criteria: CeGaT Center For Human Genetics Tuebingen Variant Classification Criteria Version 2. Collection method: clinical testing. Allele origin: germline. Affected: yes. Observed: 1 variant allele.
Comment: SLCO6A1: BP4, BP7